The following is an entry in ClinVar:

NM_000540.3(RYR1):c.14210G>A (p.Arg4737Gln)

Gene: RYR1 (ryanodine receptor 1; plus strand). Cytogenetic location: 19q13.2.
Variant type: single nucleotide variant.
Coding change: c.14210G>A on transcript NM_000540.3 (MANE Select); coding-DNA position 14210, G replaced by A.
Protein change: p.Arg4737Gln; replaces arginine 4737 with glutamine.
Molecular consequence: missense variant.
Genome position (GRCh38, 1-based): chr19:38,577,955, G>A. VCF-style: chr19-38577955-G-A. GRCh37 (hg19) VCF-style: chr19-39068595-G-A.
Other names: NM_000540.2(RYR1):c.14210G>A; c.14195G>A, p.Arg4732Gln (NM_001042723.2); short protein forms R4737Q, R4732Q.
Identifiers: ClinVar variation 133061 (VCV000133061.32), dbSNP rs193922868, ClinGen allele CA024118.

ClinVar aggregate classification (germline): Pathogenic. Review status: reviewed by expert panel (3 of 4 stars). 15 submissions from 15 submitters: Pathogenic (1). 14 of the submissions do not count toward it. Last evaluated 2023-05-20.

Conditions:
Malignant hyperthermia, susceptibility to, 1 (MHS1). Also called: Malignant hyperthermia suceptibility 1; RYR1-Related Malignant Hyperthermia Susceptibility; Anesthesia related hyperthermia; Malignant hyperpyrexia; Fulminating hyperpyrexia; Pharmacogenic myopathy. Identifiers: Orphanet 423, MedGen C2930980, MONDO:0007783, OMIM 145600.
Central core myopathy (CMYO1A). Also called: CONGENITAL MYOPATHY 1A, AUTOSOMAL DOMINANT, WITH SUSCEPTIBILITY TO MALIGNANT HYPERTHERMIA; Central core disease; Myopathy, central fibrillar. Identifiers: Orphanet 597, MedGen C5830701, MONDO:0007294, OMIM 117000.
Congenital multicore myopathy with external ophthalmoplegia (CMYO1B). Also called: Minicore myopathy with external ophthalmoplegia; MULTIMINICORE DISEASE WITH EXTERNAL OPHTHALMOPLEGIA; MULTICORE MYOPATHY; Congenital myopathy 1B, autosomal recessive; Minicore myopathy. Identifiers: Orphanet 598, Orphanet 98905, MedGen C1850674, MONDO:0009712, OMIM 255320, HP:0003789.
Congenital myopathy with fiber type disproportion. Also called: Congenital fiber-type disproportion myopathy; Congenital fiber-type disproportion. Identifiers: Orphanet 2020, MedGen C0546264, MONDO:0009711. Inheritance: all.
King Denborough syndrome (KDS). Identifiers: MedGen C1840365, MONDO:0020485, OMIM 619542.
RYR1-related disorder. Also called: RYR1-related condition; RYR1-related disorders. Identifiers: MedGen CN239331.

Allele frequency attached by ClinVar (database versions not stated): TOPMed below 0.00001; ExAC 0.00001; gnomAD exomes below 0.00001 and 0.00001.
gnomAD v4.1: 19 of 1,614,066 alleles (0.0012%); highest among the groups gnomAD compares: Non-Finnish European, 0.0015%; no homozygotes.

Submissions 1 to 6 of 15:

ClinGen Malignant Hyperthermia Susceptibility Variant Curation Expert Panel, ClinGen
Classification: Pathogenic for Malignant hyperthermia, susceptibility to, 1. Last evaluated: 2023-05-20. Review status: reviewed by expert panel. Criteria: ClinGen MHS ACMG Specifications V2. Collection method: curation. Allele origin: germline. Inheritance: Autosomal dominant inheritance.
Comment: This pathogenicity assessment is relevant only for malignant hyperthermia susceptibility (MHS) inherited in an autosomal dominant pattern. Variants in RYR1 can also cause other myopathies inherited in an autosomal dominant pattern or in an autosomal recessive pattern. Some of these disorders may predispose individuals to malignant hyperthermia. RYR1 variants may also contribute to a malignant hyperthermia reaction in combination with other genetic and non-genetic factors and the clinician needs to consider such factors in making management decisions. This sequence variant predicts a substitution of arginine with glutamine at codon 4737 of the RYR1 protein, p.(Arg4737Gln). The maximum allele frequency for this variant among the six major gnomAD populations is NFE: 0.000009, a frequency consistent with pathogenicity for MHS. This variant has been reported in 14 unrelated individuals who have a personal or family history of a malignant hyperthermia reaction, all of these individuals had a positive in vitro contracture test (IVCT) or caffeine halothane contracture test (CHCT) result (if the proband was unavailable for testing, a positive diagnostic test result in a mutation-positive relative was counted), PS4 (PMID:30236257, PMID:16163667, PMID:18564801, PMID:24433488, NZ MH investigation unit, MH Investigation Unit (MHIU), UHN, Toronto). This variant segregates with MHS in >6 meioses, PP1_Strong, (PMID:30236257 , PMID:18564801, MH Investigation Unit (MHIU), UHN, Toronto). However, in a different family two genotype positive/phenotype negative (IVCT-) individuals were identified, BS2_Moderate. Functional studies in HEK293 cells show an increased sensitivity to RYR1 agonists, PS3_Moderate, (PMID:36208971). This variant resides in a region of RYR1 considered to be a hotspot for pathogenic variants that contribute to MHS, PM1_Supporting (PMID: 21118704). A REVEL score >0.85 (0.89) supports a pathogenic status for this variant, PP3_Moderate. Based on using Bayes to combine criteria this variant is assessed as Pathogenic, (PMID: 29300386). Criteria implemented: PS3_Moderate, PS4, PM1_Supporting, PP1_Strong, PP3_Moderate, BS2_Moderate.

OLLIN Analises Genomicas, OLLIN
Classification: Pathogenic for Central core myopathy. Last evaluated: 2026-08-06. Review status: criteria provided, single submitter. Criteria: ACMG Guidelines 2015 PMID 25741868. Collection method: clinical testing. Allele origin: germline. Inheritance: Autosomal dominant inheritance. Not counted in ClinVar's aggregate classification.
Comment: This missense variant, located in exon 98 (of 106), has been reported in ClinVar (accession VCV000133061.31), in gnomAD with an allele frequency of 0.0012%, and in the scientific literature, segregating with the phenotype, in individuals with RYR1 related disorders (PMID: 36208971, 30236257, 16163667, 18564801, 24433488, 21118704). Functional studies suggest that this variant may affect protein function, and in silico analysis predicts a deleterious effect (PMID: 36208971). This variant is located in a region considered to be a mutational hotspot (PMID: 21118704). According to the currently available evidence, this variant has been classified as pathogenic (PS3_M, PS4, PM1_P, PP1_S, PP3_M, BS2_M).

Victorian Clinical Genetics Services, Murdoch Childrens Research Institute
Classification: Pathogenic for Malignant hyperthermia, susceptibility to, 1. Last evaluated: 2026-05-28. Review status: criteria provided, single submitter. Criteria: ACMG Guidelines, 2015. Collection method: clinical testing. Allele origin: germline. Affected: yes. Not counted in ClinVar's aggregate classification.
Comment: This variant is classified as Pathogenic. Evidence in support of pathogenic classification: Variant is present in gnomAD (v2) <0.01 (1 heterozygote, 0 homozygotes); This variant has very strong previous evidence of pathogenicity in unrelated individuals. This variant has been classified as pathogenic for malignant hyperthermia susceptibility (MHS) by an expert panel (ClinVar), and as pathogenic by the European Malignant Hyperthermia Group; Another missense variant comparable to the one identified in this case has moderate previous evidence for pathogenicity. p.(Arg4737Trp) has been classified as likely pathogenic for malignant hyperthermia susceptibility (MHS) by an expert panel (ClinVar), and as likely pathogenic by the European Malignant Hyperthermia Group; Variant is located in a hotspot region or cluster of pathogenic variants. This variant is within one of the three enriched hotspot regions enriched for autosomal dominant RYR1 variants (PMID: 33767344). Additional information: Variant is predicted to result in a missense amino acid change from Arg to Gln; This variant is heterozygous; This gene is associated with both recessive and dominant disease (OMIM); An alternative amino acid change at the same position has been observed in gnomAD (v3) (p.(Arg4737Trp): 2 heterozygotes, 0 homozygotes); Missense variant predicted to be damaging by in silico tool(s) or highly conserved with a major amino acid change; Loss of function and gain of function are known mechanisms of disease in this gene and are associated with RYR1-related disorders (OMIM). Gain of function is associated with malignant hyperthermia susceptibility 1 (MIM#145600) and autosomal dominant congenital myopathy 1A with susceptibility to malignant hyperthermia (MIM#117000). Loss of function is associated with autosomal recessive congenital myopathy 1B (MIM#255320) (PMIDs: 27855725, 23919265). The mechanism of King-Denborough syndrome (MIM#619542) is unclear.

Institute of Human Genetics, University of Leipzig Medical Center
Classification: Pathogenic for Malignant hyperthermia, susceptibility to, 1. Last evaluated: 2026-03-31. Review status: criteria provided, single submitter. Criteria: ACMG Guidelines, 2015. Collection method: clinical testing. Allele origin: maternal. Inheritance: Autosomal dominant inheritance. Affected: yes. Not counted in ClinVar's aggregate classification.
Comment: Criteria applied: PS4,PP1_STR,PS3_MOD,PP3_MOD,PM1_SUP,BS2_MOD

Variantyx, Inc.
Classification: Pathogenic for Malignant hyperthermia, susceptibility to, 1. Last evaluated: 2025-09-24. Review status: criteria provided, single submitter. Criteria: Variantyx Assertion Criteria 2022. Collection method: clinical testing. Allele origin: germline. Inheritance: Autosomal dominant inheritance. Not counted in ClinVar's aggregate classification.
Comment: This is a nonsynonymous variant in the RYR1 gene (OMIM: 180901). Pathogenic variants in this gene have been associated with autosomal dominant susceptibility to malignant hyperthermia 1. This variant has been reported in several unrelated affected individuals (PMID: 16163667, 19648156, 30236257, 18564801) (PS4) and it has been observed to segregate with disease in at least 7 individuals from 3 families (PMID: 18564801) (PP1_Moderate). Functional studies have shown that this variant alters RYR1 protein function (PMID: 36208971) (PS3_Moderate), and multiple computational algorithms predict a deleterious effect for this variant (REVEL score: 0.89) (PP3). Moreover, the variant lies within a known hotspot for pathogenic variants or a well-established critical functional domain of the RYR1 protein (PMID: 21118704, 27558158) (PM1_Supporting). It has a 0.0016% maximum allele frequency in non-founder control populations. Based on the current evidence, this variant is classified as pathogenic for autosomal dominant susceptibility to malignant hyperthermia 1.

GeneDx
Classification: Pathogenic. Last evaluated: 2025-07-14. Review status: criteria provided, single submitter. Criteria: GeneDx Variant Classification Process June 2021. Collection method: clinical testing. Allele origin: germline. Affected: yes. Not counted in ClinVar's aggregate classification.
Comment: Published functional studies demonstrate a damaging effect (PMID: 27558158); Previously reported in association with malignant hyperthermia in multiple unrelated individuals, with some reports using alternate nomenclature R4893Q (PMID: 16163667, 16917943, 18564801, 19648156, 30236257); Not observed at significant frequency in large population cohorts (gnomAD); In silico analysis supports that this missense variant has a deleterious effect on protein structure/function; This variant is associated with the following publications: (PMID: 16917943, 25960145, 27663056, 28326467, 16163667, 30788618, 19648156, 30236257, 18564801, 20681998, 33767344, 37154182, 27558158)